The following is an entry in ClinVar:

NM_018206.6(VPS35):c.934C>T (p.Arg312Cys)

Gene: VPS35 (VPS35 retromer complex component; minus strand). Cytogenetic location: 16q11.2.
Variant type: single nucleotide variant.
Coding change: c.934C>T on transcript NM_018206.6 (MANE Select); coding-DNA position 934, C replaced by T.
Protein change: p.Arg312Cys; replaces arginine 312 with cysteine.
Molecular consequence: missense variant.
Genome position (GRCh38, 1-based): chr16:46,674,641, G>A on the plus strand (C>T on the coding strand, the complement: VPS35 is on the minus strand). VCF-style: chr16-46674641-G-A. GRCh37 (hg19) VCF-style: chr16-46708553-G-A.
Other names: short protein forms R312C.
Identifiers: ClinVar variation 3705178 (VCV003705178.2).

ClinVar aggregate classification (germline): Uncertain significance (1 of 4 stars; one submission).

Conditions:
Parkinson disease 17 (PARK17). Also called: VPS35-Related Parkinson Disease. Identifiers: Orphanet 411602, MedGen C3280133, MONDO:0013625, OMIM 614203.

gnomAD v4.1: 17 of 1,609,698 alleles (0.0011%); highest among the groups gnomAD compares: Non-Finnish European, 0.0014%; no homozygotes.

Submission:

Labcorp Genetics (formerly Invitae), Labcorp
Classification: Uncertain significance for Parkinson disease 17. Last evaluated: 2024-05-11. Review status: criteria provided, single submitter. Criteria: Invitae Variant Classification Sherloc (09022015). Collection method: clinical testing. Allele origin: germline.
Comment: This sequence change replaces arginine, which is basic and polar, with cysteine, which is neutral and slightly polar, at codon 312 of the VPS35 protein (p.Arg312Cys). This variant is present in population databases (rs767701361, gnomAD 0.002%). This variant has not been reported in the literature in individuals affected with VPS35-related conditions. Advanced modeling of protein sequence and biophysical properties (such as structural, functional, and spatial information, amino acid conservation, physicochemical variation, residue mobility, and thermodynamic stability) has been performed at Invitae for this missense variant, however the output from this modeling did not meet the statistical confidence thresholds required to predict the impact of this variant on VPS35 protein function. In summary, the available evidence is currently insufficient to determine the role of this variant in disease. Therefore, it has been classified as a Variant of Uncertain Significance.